The following is an entry in ClinVar:

ClinVar aggregate classification (germline): Conflicting classifications of pathogenicity. Review status: criteria provided, conflicting classifications (1 of 4 stars). 2 submissions from 2 submitters: Uncertain significance (1); Likely benign (1). Last evaluated 2023-03-23.

Conditions:
Hereditary cancer-predisposing syndrome. Also called: Neoplastic Syndromes, Hereditary; Tumor predisposition; Hereditary Cancer Syndrome; Hereditary neoplastic syndrome. Identifiers: Orphanet 140162, MedGen C0027672, MeSH D009386, MONDO:0015356.

Submissions (2):

University of Washington Department of Laboratory Medicine, University of Washington
Classification: Likely benign for Hereditary cancer-predisposing syndrome. Last evaluated: 2023-03-23. Review status: criteria provided, single submitter. Criteria: Dines et al. (Genet Med. 2020). Collection method: curation. Allele origin: germline.
Comment: Missense variant in a coldspot region where missense variants are very unlikely to be pathogenic (PMID:31911673).

BRCA1 coldspot (exon 11 using historical exon numbering). Reclassification based on statistical prior probability

Ambry Genetics
Classification: Uncertain significance for Hereditary cancer-predisposing syndrome. Last evaluated: 2020-02-06. Review status: criteria provided, single submitter. Criteria: Ambry Variant Classification Scheme 2023. Collection method: clinical testing. Allele origin: germline.
Comment: The p.S1320Y variant (also known as c.3959C>A), located in coding exon 9 of the BRCA1 gene, results from a C to A substitution at nucleotide position 3959. The serine at codon 1320 is replaced by tyrosine, an amino acid with dissimilar properties. This amino acid position is poorly conserved in available vertebrate species. In addition, the in silico prediction for this alteration is inconclusive. Since supporting evidence is limited at this time, the clinical significance of this alteration remains unclear.

NM_007294.4(BRCA1):c.3959C>A (p.Ser1320Tyr)

Genes: BRCA1 (BRCA1 DNA repair associated; minus strand), LOC126862571 (BRD4-independent group 4 enhancer GRCh37_chr17:41243136-41244335; plus strand). Cytogenetic location: 17q21.31.
Variant type: single nucleotide variant.
Coding change: c.3959C>A on transcript NM_007294.4 (MANE Select); coding-DNA position 3959, C replaced by A.
Protein change: p.Ser1320Tyr; replaces serine 1320 with tyrosine.
Molecular consequence: missense variant. On other transcripts: intron variant (135).
Genome position (GRCh38, 1-based): chr17:43,091,572, G>T on the plus strand (C>A on the coding strand, the complement: BRCA1 is on the minus strand). VCF-style: chr17-43091572-G-T. GRCh37 (hg19) VCF-style: chr17-41243589-G-T.
Other names: c.3746C>A, p.Ser1249Tyr (NM_001407571.1, NM_001407853.1, NM_001407894.1 and 9 more transcripts); c.3959C>A, p.Ser1320Tyr (NM_001407581.1, NM_001407582.1, NM_001407583.1 and 30 more transcripts); c.3956C>A, p.Ser1319Tyr (NM_001407587.1, NM_001407590.1, NM_001407591.1 and 22 more transcripts); c.3950C>A, p.Ser1317Tyr (NM_001407646.1, NM_001407647.1); c.3836C>A, p.Ser1279Tyr (NM_001407648.1, NM_001407664.1, NM_001407665.1 and 19 more transcripts); c.3833C>A, p.Ser1278Tyr (NM_001407649.1, NM_001407670.1, NM_001407671.1 and 11 more transcripts); c.3881C>A, p.Ser1294Tyr (NM_001407653.1, NM_001407654.1, NM_001407655.1 and 4 more transcripts); c.3878C>A, p.Ser1293Tyr (NM_001407659.1, NM_001407660.1, NM_001407661.1 and 1 more transcripts); and 41 more; short protein forms S1024Y, S1192Y, S1231Y, S1252Y, S1273Y, S1294Y, S1317Y, S1209Y.
Identifiers: ClinVar variation 1736489 (VCV001736489.4), dbSNP rs2053494663, ClinGen allele CA10594046.